The following is an entry in ClinVar:

NM_014232.3(VAMP2):c.180G>A (p.Leu60=)

Gene: VAMP2 (vesicle associated membrane protein 2; minus strand). Cytogenetic location: 17p13.1.
Variant type: single nucleotide variant.
Coding change: c.180G>A on transcript NM_014232.3 (MANE Select); coding-DNA position 180, G replaced by A.
Protein change: p.Leu60=; no amino-acid change (leucine 60 retained).
Molecular consequence: synonymous variant.
Genome position (GRCh38, 1-based): chr17:8,161,710, C>T on the plus strand (G>A on the coding strand, the complement: VAMP2 is on the minus strand). VCF-style: chr17-8161710-C-T. GRCh37 (hg19) VCF-style: chr17-8065028-C-T.
Other names: c.186G>A, p.Leu62= (NM_001330125.1).
Identifiers: ClinVar variation 3907422 (VCV003907422.1).
Genomic context (GRCh38, chr17:8,161,710, plus strand): 5'-GCTTGTTTCAAACTGGGAGGCCCCCGCCTGGAGTGCATCTGCACGGTCGTCCAGCTCCGA[C>T]AGCTTCTGGTCTCGCTCCAGGACCTTGTCCACGTTCACCCTCATGATGTCCACCACCTGG-3'
Protein context (NP_055047.2, residues 50-70): VDKVLERDQK[Leu60=]SELDDRADAL

ClinVar aggregate classification (germline): Likely benign (1 of 4 stars; one submission).

gnomAD v4.1: 8 of 1,614,080 alleles (0.0005%); highest among the groups gnomAD compares: Admixed American, 0.0067%; no homozygotes.

Submission:

Women's Health and Genetics/Laboratory Corporation of America, LabCorp
Classification: Likely benign. Last evaluated: 2025-06-03. Review status: criteria provided, single submitter. Criteria: LabCorp Variant Classification Summary - May 2015. Collection method: clinical testing. Allele origin: germline.
Comment: Variant summary: VAMP2 c.180G>A results in a synonymous change. Consensus agreement among computation tools predict no significant impact on normal splicing. However, these predictions have yet to be confirmed by functional studies. The variant was absent in 251456 control chromosomes. The available data on variant occurrences in the general population are insufficient to allow any conclusion about variant significance. To our knowledge, no occurrence of c.180G>A in individuals affected with Neurodevelopmental Disorder With Hypotonia And Autistic Features With Or Without Hyperkinetic Movements and no experimental evidence demonstrating its impact on protein function have been reported. No submitters have cited clinical-significance assessments for this variant to ClinVar. Based on the evidence outlined above, the variant was classified as likely benign.